The following is an entry in ClinVar:

ClinVar aggregate classification (germline): Conflicting classifications of pathogenicity. Review status: criteria provided, conflicting classifications (1 of 4 stars). 3 submissions from 3 submitters: Uncertain significance (1); Likely benign (2). Last evaluated 2025-09-12.

Conditions:
Inborn genetic diseases. Identifiers: MedGen C0950123, MeSH D030342.
Charcot-Marie-Tooth disease axonal type 2O. Also called: Charcot-Marie-Tooth disease, axonal, type 20; CHARCOT-MARIE-TOOTH NEUROPATHY, AXONAL, TYPE 2O; CHARCOT-MARIE-TOOTH DISEASE, AXONAL, AUTOSOMAL DOMINANT, TYPE 2O; Charcot-Marie-Tooth Neuropathy Type 2O. Identifiers: Orphanet 284232, MedGen C3280220, MONDO:0013644, OMIM 614228.

Allele frequency attached by ClinVar (database versions not stated): ExAC 0.00001; gnomAD 0.00001; gnomAD exomes 0.00004 and below 0.00001; TOPMed below 0.00001.
gnomAD v4.1: 65 of 1,614,014 alleles (0.004%); highest among the groups gnomAD compares: Middle Eastern, 0.016%; no homozygotes.

Submissions (3):

Labcorp Genetics (formerly Invitae), Labcorp
Classification: Likely benign for Charcot-Marie-Tooth disease axonal type 2O. Last evaluated: 2025-09-12. Review status: criteria provided, single submitter. Criteria: Invitae Variant Classification Sherloc (09022015). Collection method: clinical testing. Allele origin: germline.

CeGaT Center for Human Genetics Tuebingen
Classification: Likely benign. Last evaluated: 2024-09-01. Review status: criteria provided, single submitter. Criteria: CeGaT Center For Human Genetics Tuebingen Variant Classification Criteria Version 2. Collection method: clinical testing. Allele origin: germline. Affected: yes. Observed: 1 variant allele.
Comment: DYNC1H1: BP4

Ambry Genetics
Classification: Uncertain significance for Inborn genetic diseases. Last evaluated: 2023-05-16. Review status: criteria provided, single submitter. Criteria: Ambry Variant Classification Scheme 2023. Collection method: clinical testing. Allele origin: germline.

NM_001376.5(DYNC1H1):c.11795C>T (p.Ala3932Val)

Gene: DYNC1H1 (dynein cytoplasmic 1 heavy chain 1; plus strand). Cytogenetic location: 14q32.31.
Variant type: single nucleotide variant.
Coding change: c.11795C>T on transcript NM_001376.5 (MANE Select); coding-DNA position 11795, C replaced by T.
Protein change: p.Ala3932Val; replaces alanine 3932 with valine.
Molecular consequence: missense variant.
Genome position (GRCh38, 1-based): chr14:102,040,340, C>T. VCF-style: chr14-102040340-C-T. GRCh37 (hg19) VCF-style: chr14-102506677-C-T.
Other names: c.11795C>T (NM_001376.4); short protein forms A3932V.
Identifiers: ClinVar variation 1447565 (VCV001447565.23), dbSNP rs752716582, ClinGen allele CA7353720.